The following is an entry in ClinVar:

NM_018896.5(CACNA1G):c.2187G>C (p.Trp729Cys)

Gene: CACNA1G (calcium voltage-gated channel subunit alpha1 G; plus strand). Cytogenetic location: 17q21.33.
Variant type: single nucleotide variant.
Coding change: c.2187G>C on transcript NM_018896.5 (MANE Select); coding-DNA position 2187, G replaced by C.
Protein change: p.Trp729Cys; replaces tryptophan 729 with cysteine.
Molecular consequence: missense variant. On other transcripts: non-coding transcript variant (5).
Genome position (GRCh38, 1-based): chr17:50,578,450, G>C. VCF-style: chr17-50578450-G-C. GRCh37 (hg19) VCF-style: chr17-48655811-G-C.
Other names: c.2187G>C, p.Trp729Cys (NM_001256324.2, NM_001256325.2, NM_001256326.2 and 24 more transcripts); short protein forms W729C.
Identifiers: ClinVar variation 3769689 (VCV003769689.1).

ClinVar aggregate classification (germline): Uncertain significance (1 of 4 stars; one submission).

Submission:

GeneDx
Classification: Uncertain significance. Last evaluated: 2024-09-12. Review status: criteria provided, single submitter. Criteria: GeneDx Variant Classification Process June 2021. Collection method: clinical testing. Allele origin: germline. Affected: yes.
Comment: Not observed at significant frequency in large population cohorts (gnomAD); In silico analysis supports that this missense variant has a deleterious effect on protein structure/function; Has not been previously published as pathogenic or benign to our knowledge